The following is an entry in ClinVar:

ClinVar aggregate classification (germline): Uncertain significance (1 of 4 stars; one submission).

Conditions:
KCNT1-related disorder. Also called: KCNT1-related condition.

Submission:

PreventionGenetics, part of Exact Sciences
Classification: Uncertain significance for KCNT1-related condition. Last evaluated: 2023-02-03. Review status: criteria provided, single submitter. Criteria: ACMG Guidelines, 2015. Collection method: clinical testing. Allele origin: germline.
Comment: The KCNT1 c.2387A>G variant is predicted to result in the amino acid substitution p.Tyr796Cys. To our knowledge, this variant has not been reported in the literature or in a large population database, indicating this variant is rare. At this time, the clinical significance of this variant is uncertain due to the absence of conclusive functional and genetic evidence.

NM_020822.3(KCNT1):c.2387A>G (p.Tyr796Cys)

Gene: KCNT1 (potassium sodium-activated channel subfamily T member 1; plus strand). Cytogenetic location: 9q34.3.
Variant type: single nucleotide variant.
Coding change: c.2387A>G on transcript NM_020822.3 (MANE Select); coding-DNA position 2387, A replaced by G.
Protein change: p.Tyr796Cys; replaces tyrosine 796 with cysteine.
Molecular consequence: missense variant.
Genome position (GRCh38, 1-based): chr9:135,777,375, A>G. VCF-style: chr9-135777375-A-G. GRCh37 (hg19) VCF-style: chr9-138669221-A-G.
Other names: c.2252A>G, p.Tyr751Cys (NM_001272003.2); short protein forms Y751C, Y796C.
Identifiers: ClinVar variation 2630428 (VCV002630428.1), dbSNP rs2491023496, ClinGen allele CA375513219.